The following is an entry in ClinVar:

ClinVar aggregate classification (germline): Conflicting classifications of pathogenicity. Review status: criteria provided, conflicting classifications (1 of 4 stars). 21 submissions from 20 submitters: Uncertain significance (1); Benign (14); Likely benign (3). 3 of the submissions do not count toward it. Last evaluated 2026-09-01.

Conditions:
Monogenic diabetes. Identifiers: Orphanet 183625, MedGen C3888631, MONDO:0015967.
WFS1-Related Spectrum Disorders.
Wolfram syndrome 1 (WFS1). Identifiers: Orphanet 3463, MedGen C4551693, MONDO:0009101, OMIM 222300.
Wolfram-like syndrome. Also called: HEARING LOSS, PROGRESSIVE, WITH OPTIC ATROPHY AND/OR IMPAIRED GLUCOSE REGULATION. Identifiers: Orphanet 411590, MedGen C3280358, MONDO:0013673, OMIM 614296.
Cataract 41 (CTRCT41). Also called: CATARACT 41, CONGENITAL NUCLEAR TYPE. Identifiers: Orphanet 91492, Orphanet 98991, Orphanet 98992, Orphanet 98995, MedGen C3805412, MONDO:0007287, OMIM 116400.
Autosomal dominant nonsyndromic hearing loss 6 (LFSNHL). Also called: DEAFNESS, AUTOSOMAL DOMINANT 6; DEAFNESS, AUTOSOMAL DOMINANT 14; DEAFNESS, AUTOSOMAL DOMINANT 38; Autosomal dominant nonsyndromic deafness 6. Identifiers: Orphanet 90635, MedGen C1833021, MONDO:0010963, OMIM 600965.
Type 2 diabetes mellitus. Also called: Type II diabetes mellitus. Identifiers: MedGen C0011860, MeSH D003924, MONDO:0005148, OMIM 125853, HP:0005978.

Allele frequency attached by ClinVar (database versions not stated): 1000 Genomes Project 0.00359; TOPMed 0.00708; ESP Exome Variant Server 0.00730; gnomAD 0.00761; ExAC 0.00795; 1000 Genomes Project 30x 0.00359.
gnomAD v4.1: 16,024 of 1,613,120 alleles (0.99%); highest among the groups gnomAD compares: Non-Finnish European, 1.2%; 92 homozygotes.

Submissions (21):

CeGaT Center for Human Genetics Tuebingen
Classification: Likely benign. Last evaluated: 2026-09-01. Review status: criteria provided, single submitter. Criteria: CeGaT Center For Human Genetics Tuebingen Variant Classification Criteria Version 2. Collection method: clinical testing. Allele origin: germline. Affected: yes. Observed: 20 variant alleles.
Comment: WFS1: PM5, BS1, BS2

Labcorp Genetics (formerly Invitae), Labcorp
Classification: Benign. Last evaluated: 2026-01-27. Review status: criteria provided, single submitter. Criteria: Invitae Variant Classification Sherloc (09022015). Collection method: clinical testing. Allele origin: germline.

Blueprint Genetics
Classification: Likely benign. Last evaluated: 2024-11-25. Review status: criteria provided, single submitter. Criteria: ACMG Guidelines, 2015. Collection method: clinical testing. Allele origin: germline.

ARUP Laboratories, Molecular Genetics and Genomics, ARUP Laboratories
Classification: Benign. Last evaluated: 2023-12-05. Review status: criteria provided, single submitter. Criteria: ARUP Molecular Germline Variant Investigation Process 2024. Collection method: clinical testing. Allele origin: germline.

Mayo Clinic Laboratories, Mayo Clinic
Classification: Benign. Last evaluated: 2023-11-15. Review status: criteria provided, single submitter. Criteria: ACMG Guidelines, 2015. Collection method: clinical testing. Allele origin: germline. Observed: 8 variant alleles.
Comment: BS1, BS2

Fulgent Genetics
Classification: Likely benign for Cataract 41; Type 2 diabetes mellitus; Wolfram syndrome 1; Autosomal dominant nonsyndromic hearing loss 6; Wolfram-like syndrome. Last evaluated: 2022-04-16. Review status: criteria provided, single submitter. Criteria: ACMG Guidelines, 2015. Collection method: clinical testing. Allele origin: unknown.

GeneDx
Classification: Benign. Last evaluated: 2019-04-26. Review status: criteria provided, single submitter. Criteria: GeneDx Variant Classification Process June 2021. Collection method: clinical testing. Allele origin: germline. Affected: yes.
Comment: This variant is associated with the following publications: (PMID: 20981092, 25262649, 12107816, 15605410, 20875904, 25895475, 30245029)

Personalized Diabetes Medicine Program, University of Maryland School of Medicine
Classification: Benign for Monogenic diabetes. Last evaluated: 2018-12-07. Review status: criteria provided, single submitter. Criteria: ACMG Guidelines, 2015. Collection method: research. Allele origin: unknown. Observed: 11 variant alleles, 11 heterozygotes.
Comment: ACMG criteria: BS2 (16 homozygotes in gnomAD), BS1 (allele frequency is 0.01358 of gnomAD European Finish, which means carrier frequency is 0.0018, above the disease frequency of 1/5000 for WFS)= benign; REVEL 0.255 + PP3/6 predictors + BP4/5 predictors= conflicting evidence, not using

Athena Diagnostics
Classification: Benign. Last evaluated: 2018-07-30. Review status: criteria provided, single submitter. Criteria: Athena Diagnostics Criteria. Collection method: clinical testing. Allele origin: germline.

Illumina Laboratory Services, Illumina
Classification: Benign for Autosomal dominant nonsyndromic hearing loss 6. Last evaluated: 2018-03-06. Review status: criteria provided, single submitter. Criteria: ICSL Variant Classification Criteria 13 December 2019. Collection method: clinical testing. Allele origin: germline.
Comment: This variant was observed in the ICSL laboratory as part of a predisposition screen in an ostensibly healthy population. It had not been previously curated by ICSL or reported in the Human Gene Mutation Database (HGMD: prior to June 1st, 2018), and was therefore a candidate for classification through an automated scoring system. Utilizing variant allele frequency, disease prevalence and penetrance estimates, and inheritance mode, an automated score was calculated to assess if this variant is too frequent to cause the disease. Based on the score and internal cut-off values, a variant classified as benign is not then subjected to further curation. The score for this variant resulted in a classification of benign for this disease.

Illumina Laboratory Services, Illumina
Classification: Benign for WFS1-Related Spectrum Disorders. Last evaluated: 2018-03-06. Review status: criteria provided, single submitter. Criteria: ICSL Variant Classification Criteria 13 December 2019. Collection method: clinical testing. Allele origin: germline.
Comment: the same text as in the submission from Illumina Laboratory Services, Illumina above.

Center for Pediatric Genomic Medicine, Children's Mercy Hospital and Clinics
Classification: Benign. Last evaluated: 2016-12-30. Review status: criteria provided, single submitter. Criteria: ACMG Guidelines, 2015. Collection method: clinical testing. Allele origin: germline.

Genetic Services Laboratory, University of Chicago
Classification: Benign. Last evaluated: 2016-01-17. Review status: criteria provided, single submitter. Criteria: ACMG Guidelines, 2015. Collection method: clinical testing. Allele origin: germline. Affected: no.

Genomic Diagnostic Laboratory, Division of Genomic Diagnostics, Children's Hospital of Philadelphia
Classification: Benign. Last evaluated: 2015-11-10. Review status: criteria provided, single submitter. Criteria: DGD Variant Analysis Guidelines. Collection method: clinical testing. Allele origin: unknown.

Eurofins Ntd Llc (ga)
Classification: Benign. Last evaluated: 2013-08-09. Review status: criteria provided, single submitter. Criteria: EGL Classification Definitions 2015. Collection method: clinical testing. Allele origin: germline. Observed: 2 variant alleles, 2 heterozygotes.

Laboratory for Molecular Medicine, Mass General Brigham Personalized Medicine
Classification: Benign. Last evaluated: 2012-05-07. Review status: criteria provided, single submitter. Criteria: LMM Criteria. Collection method: clinical testing. Allele origin: germline. Observed: 32 variant alleles.
Comment: Val871Met in Exon 08 of WFS1: This variant is not expected to have clinical sign ificance because it has been identified in 1.1% (75/7020) of European American c hromosomes from a broad population by the NHLBI Exome Sequencing Project (dbSNP rs71532874).

Clinical Genomics, Uppaluri K&H Personalized Medicine Clinic
Classification: Uncertain significance for Wolfram syndrome 1. Review status: criteria provided, single submitter. Criteria: K & H Uppaluri Personalized Medicine Clinic Variant Classification & Assertion Criteria_Updated V.1. Collection method: research. Allele origin: unknown. Inheritance: Autosomal recessive inheritance.
Comment: Mutations in WFS1 gene are associated with Wolfram's syndrome, an autosomal recessive condition, which cause diabetes mellitus, diabetes insipidus, deafness and optic atrophy. rs71532874 variant is also seen in patients with Diabetes Mellitus. However, the role of this particular variant is yet to be ascertained.

PreventionGenetics, part of Exact Sciences
Classification: Benign. Review status: criteria provided, single submitter. Criteria: ACMG Guidelines, 2015. Collection method: clinical testing. Allele origin: germline.

Clinical Genetics DNA and cytogenetics Diagnostics Lab, Erasmus MC, Erasmus Medical Center
Classification: Benign. Review status: no assertion criteria provided. Collection method: clinical testing. Allele origin: germline. Affected: yes. Study: VKGL Data-share Consensus. Not counted in ClinVar's aggregate classification.

Joint Genome Diagnostic Labs from Nijmegen and Maastricht, Radboudumc and MUMC+
Classification: Benign. Review status: no assertion criteria provided. Collection method: clinical testing. Allele origin: germline. Affected: yes. Study: VKGL Data-share Consensus. Not counted in ClinVar's aggregate classification.

Laboratory of Diagnostic Genome Analysis, Leiden University Medical Center (LUMC)
Classification: Likely benign. Review status: no assertion criteria provided. Collection method: clinical testing. Allele origin: germline. Affected: yes. Study: VKGL Data-share Consensus. Not counted in ClinVar's aggregate classification.

Literature cited by the submitters: PubMed 12107816 (cited by Athena Diagnostics); PubMed 25895475 (cited by Athena Diagnostics); PubMed 15605410 (cited by Athena Diagnostics); PubMed 15473915 (cited by Athena Diagnostics); PubMed 20875904 (cited by Athena Diagnostics); PubMed 18544103 (cited by Athena Diagnostics); PubMed 11709538 (cited by Athena Diagnostics); PubMed 24909696 (cited by Athena Diagnostics); PubMed 11920861 (cited by Athena Diagnostics); PubMed 34746052 (cited by Clinical Genomics, Uppaluri K&H Personalized Medicine Clinic).

NM_006005.3(WFS1):c.2611G>A (p.Val871Met)

Gene: WFS1 (wolframin ER transmembrane glycoprotein; plus strand). Cytogenetic location: 4p16.1.
Variant type: single nucleotide variant.
Coding change: c.2611G>A on transcript NM_006005.3 (MANE Select); coding-DNA position 2611, G replaced by A.
Protein change: p.Val871Met; replaces valine 871 with methionine.
Molecular consequence: missense variant.
Genome position (GRCh38, 1-based): chr4:6,302,406, G>A. VCF-style: chr4-6302406-G-A. GRCh37 (hg19) VCF-style: chr4-6304133-G-A.
Other names: c.2611G>A, p.Val871Met (NM_001145853.1); short protein forms V871M.
Identifiers: ClinVar variation 95325 (VCV000095325.68), dbSNP rs71532874, ClinGen allele CA285655.